The following is an entry in ClinVar:

ClinVar aggregate classification (germline): Pathogenic (1 of 4 stars; one submission).

Conditions:
Saldino-Mainzer syndrome (SRTD9). Also called: CONORENAL SYNDROME; SHORT-RIB THORACIC DYSPLASIA 9 WITHOUT POLYDACTYLY; short-rib thoracic dysplasia 9 with or without polydactyly; Renal dysplasia, retinal pigmentary dystrophy, cerebellar ataxia and skeletal dysplasia. Identifiers: Orphanet 140969, MedGen C1849437, MONDO:0009964, OMIM 266920.

Submission:

Centre for Mendelian Genomics, University Medical Centre Ljubljana
Classification: Pathogenic for Saldino-Mainzer syndrome. Last evaluated: 2019-11-12. Review status: criteria provided, single submitter. Criteria: ACMG Guidelines, 2015. Collection method: clinical testing. Allele origin: unknown. Affected: yes.
Comment: This variant was classified as: Pathogenic. The following ACMG criteria were applied in classifying this variant: PVS1,PM2,PP3.

NM_014714.4(IFT140):c.558G>A (p.Trp186Ter)

Genes: IFT140 (intraflagellar transport 140; minus strand), LOC105371046 (uncharacterized LOC105371046; plus strand). Cytogenetic location: 16p13.3.
Variant type: single nucleotide variant.
Coding change: c.558G>A on transcript NM_014714.4 (MANE Select); coding-DNA position 558, G replaced by A.
Protein change: p.Trp186Ter; replaces tryptophan 186 with a stop codon.
Molecular consequence: nonsense.
Genome position (GRCh38, 1-based): chr16:1,592,252, C>T on the plus strand (G>A on the coding strand, the complement: IFT140 is on the minus strand). VCF-style: chr16-1592252-C-T. GRCh37 (hg19) VCF-style: chr16-1642253-C-T.
Other names: short protein forms W186*.
Identifiers: ClinVar variation 931217 (VCV000931217.3), dbSNP rs2035218747, ClinGen allele CA394220314.